The following is an entry in ClinVar:

ClinVar aggregate classification (germline): Uncertain significance (1 of 4 stars; one submission).

Conditions:
Glycogen storage disease IXb (GSD9B). Also called: PHOSPHORYLASE KINASE DEFICIENCY OF LIVER AND MUSCLE, AUTOSOMAL RECESSIVE; GLYCOGENOSIS OF LIVER AND MUSCLE, AUTOSOMAL RECESSIVE; GSD IXb. Identifiers: Orphanet 79240, MedGen C0543514, MONDO:0009868, OMIM 261750.

Allele frequency attached by ClinVar (database versions not stated): ExAC 0.00001; gnomAD 0.00001; TOPMed 0.00002; ESP Exome Variant Server 0.00015.

Submission:

Labcorp Genetics (formerly Invitae), Labcorp
Classification: Uncertain significance for Glycogen storage disease IXb. Last evaluated: 2024-11-11. Review status: criteria provided, single submitter. Criteria: Invitae Variant Classification Sherloc (09022015). Collection method: clinical testing. Allele origin: germline.
Comment: This sequence change falls in intron 7 of the PHKB gene. It does not directly change the encoded amino acid sequence of the PHKB protein. It affects a nucleotide within the consensus splice site. This variant is present in population databases (rs369781722, gnomAD 0.007%). This variant has not been reported in the literature in individuals affected with PHKB-related conditions. ClinVar contains an entry for this variant (Variation ID: 2126850). Variants that disrupt the consensus splice site are a relatively common cause of aberrant splicing (PMID: 17576681, 9536098). Algorithms developed to predict the effect of sequence changes on RNA splicing suggest that this variant is not likely to affect RNA splicing. In summary, the available evidence is currently insufficient to determine the role of this variant in disease. Therefore, it has been classified as a Variant of Uncertain Significance.

Literature cited by the submitters: PubMed 17576681; PubMed 9536098.

NM_000293.3(PHKB):c.710+4A>G

Gene: PHKB (phosphorylase kinase regulatory subunit beta; plus strand). Cytogenetic location: 16q12.1.
Variant type: single nucleotide variant.
Coding change: c.710+4A>G on transcript NM_000293.3 (MANE Select); 4 bases into the intron after coding-DNA position 710, A replaced by G.
Molecular consequence: intron variant.
Genome position (GRCh38, 1-based): chr16:47,547,552, A>G. VCF-style: chr16-47547552-A-G. GRCh37 (hg19) VCF-style: chr16-47581463-A-G.
Other names: c.710+4A>G (NM_001363837.1); c.689+4A>G (NM_001031835.3).
Identifiers: ClinVar variation 2126850 (VCV002126850.4), dbSNP rs369781722, ClinGen allele CA8040571.
Genomic context (GRCh38, chr16:47,547,552, plus strand): 5'-TGGTGTCTGGGAAAGAGGAAGCAAATATAATAATGGCAGCACAGAGCTACATTCGAGGTA[A>G]TTTGCTGATTTCTGAGGTTTTTTTTTTAAATTAAATGTATGGAATTTGAATATGAAGAAA-3'